The following is an entry in ClinVar:

NM_001267550.2(TTN):c.65574T>C (p.Asn21858=)

Genes: TTN (titin; minus strand), TTN-AS1 (TTN antisense RNA 1; plus strand). Cytogenetic location: 2q31.2.
Variant type: single nucleotide variant.
Coding change: c.65574T>C on transcript NM_001267550.2 (MANE Select); coding-DNA position 65574, T replaced by C.
Protein change: p.Asn21858=; no amino-acid change (asparagine 21858 retained).
Molecular consequence: synonymous variant. On other transcripts: non-coding transcript variant (1).
Genome position (GRCh38, 1-based): chr2:178,583,608, A>G on the plus strand (T>C on the coding strand, the complement: TTN is on the minus strand). VCF-style: chr2-178583608-A-G. GRCh37 (hg19) VCF-style: chr2-179448335-A-G.
Other names: c.60651T>C, p.Asn20217= (NM_001256850.1); c.57870T>C, p.Asn19290= (NM_133378.4); c.38379T>C, p.Asn12793= (NM_003319.4); c.38754T>C, p.Asn12918= (NM_133432.3); c.38955T>C, p.Asn12985= (NM_133437.4).
Identifiers: ClinVar variation 229490 (VCV000229490.42), dbSNP rs374858668, ClinGen allele CA1991683.

ClinVar aggregate classification (germline): Conflicting classifications of pathogenicity. Review status: criteria provided, conflicting classifications (1 of 4 stars). 13 submissions from 9 submitters: Uncertain significance (10); Likely benign (3). Last evaluated 2026-09-01.

Conditions:
Tibial muscular dystrophy (TMD). Also called: Tibial muscular dystrophy, tardive; UDD MYOPATHY; Udd Distal Myopathy – Tibial Muscular Dystrophy. Identifiers: Orphanet 609, MedGen C1838244, MONDO:0010870, OMIM 600334.
Autosomal recessive limb-girdle muscular dystrophy type 2J (LGMDR10). Also called: Limb-girdle muscular dystrophy, type 2J; MUSCULAR DYSTROPHY, LIMB-GIRDLE, AUTOSOMAL RECESSIVE 10. Identifiers: Orphanet 140922, MedGen C1837342, MONDO:0012127, OMIM 608807.
Dilated cardiomyopathy 1G (CMD1G). Identifiers: Orphanet 154, MedGen C1858763, MONDO:0011400, OMIM 604145.
Hypertrophic cardiomyopathy 9. Also called: Familial hypertrophic cardiomyopathy 9. Identifiers: MedGen C1861065, MONDO:0013412, OMIM 613765.
Early-onset myopathy with fatal cardiomyopathy (CMYO5). Also called: Salih Myopathy; CONGENITAL MYOPATHY 5 WITH CARDIOMYOPATHY. Identifiers: Orphanet 289377, MedGen C2673677, MONDO:0012714, OMIM 611705. Disease mechanism: loss of function.
Cardiovascular phenotype. Identifiers: MedGen CN230736.
Myopathy, myofibrillar, 9, with early respiratory failure (MFM9). Also called: Hereditary myopathy with early respiratory failure; EDSTROM MYOPATHY; MYOPATHY, PROXIMAL, WITH EARLY RESPIRATORY MUSCLE INVOLVEMENT; Myopathy, distal, with early respiratory failure, autosomal dominant. Identifiers: Orphanet 178464, Orphanet 34521, MedGen C1863599, MONDO:0011362, OMIM 603689.

Allele frequency attached by ClinVar (database versions not stated): gnomAD exomes 0.00003; ExAC 0.00004; ESP Exome Variant Server 0.00008; TOPMed 0.00008; gnomAD 0.00009.
gnomAD v4.1: 278 of 1,592,680 alleles (0.017%); highest among the groups gnomAD compares: Non-Finnish European, 0.022%; no homozygotes.

Submissions (13):

CeGaT Center for Human Genetics Tuebingen
Classification: Likely benign. Last evaluated: 2026-09-01. Review status: criteria provided, single submitter. Criteria: CeGaT Center For Human Genetics Tuebingen Variant Classification Criteria Version 2. Collection method: clinical testing. Allele origin: germline. Affected: yes. Observed: 3 variant alleles.
Comment: TTN: BP4, BP7

Women's Health and Genetics/Laboratory Corporation of America, LabCorp
Classification: Uncertain significance. Last evaluated: 2025-12-11. Review status: criteria provided, single submitter. Criteria: LabCorp Variant Classification Summary - May 2015. Collection method: clinical testing. Allele origin: germline.

Revvity Omics, Revvity
Classification: Uncertain significance. Last evaluated: 2024-05-06. Review status: criteria provided, single submitter. Criteria: ACMG Guidelines, 2015. Collection method: clinical testing. Allele origin: germline.

Department of Pathology and Laboratory Medicine, Sinai Health System
Classification: Uncertain significance for Tibial muscular dystrophy; Autosomal recessive limb-girdle muscular dystrophy type 2J; Dilated cardiomyopathy 1G; Early-onset myopathy with fatal cardiomyopathy; Hypertrophic cardiomyopathy 9. Last evaluated: 2021-08-04. Review status: criteria provided, single submitter. Criteria: ACMG Guidelines, 2015. Collection method: research. Allele origin: germline.

Ambry Genetics
Classification: Likely benign for Cardiovascular phenotype. Last evaluated: 2021-02-24. Review status: criteria provided, single submitter. Criteria: Ambry Variant Classification Scheme 2023. Collection method: clinical testing. Allele origin: germline.

GeneDx
Classification: Likely benign. Last evaluated: 2020-09-08. Review status: criteria provided, single submitter. Criteria: GeneDx Variant Classification Process June 2021. Collection method: clinical testing. Allele origin: germline. Affected: yes.

Illumina Laboratory Services, Illumina
Classification: Uncertain significance for Tibial muscular dystrophy. Last evaluated: 2018-01-13. Review status: criteria provided, single submitter. Criteria: ICSL Variant Classification Criteria 13 December 2019. Collection method: clinical testing. Allele origin: germline.

Illumina Laboratory Services, Illumina
Classification: Uncertain significance for Myopathy, myofibrillar, 9, with early respiratory failure. Last evaluated: 2018-01-13. Review status: criteria provided, single submitter. Criteria: ICSL Variant Classification Criteria 13 December 2019. Collection method: clinical testing. Allele origin: germline.

Illumina Laboratory Services, Illumina
Classification: Uncertain significance for Dilated cardiomyopathy 1G. Last evaluated: 2018-01-13. Review status: criteria provided, single submitter. Criteria: ICSL Variant Classification Criteria 13 December 2019. Collection method: clinical testing. Allele origin: germline.

Illumina Laboratory Services, Illumina
Classification: Uncertain significance for Autosomal recessive limb-girdle muscular dystrophy type 2J. Last evaluated: 2018-01-13. Review status: criteria provided, single submitter. Criteria: ICSL Variant Classification Criteria 13 December 2019. Collection method: clinical testing. Allele origin: germline.

Illumina Laboratory Services, Illumina
Classification: Uncertain significance for Early-onset myopathy with fatal cardiomyopathy. Last evaluated: 2018-01-13. Review status: criteria provided, single submitter. Criteria: ICSL Variant Classification Criteria 13 December 2019. Collection method: clinical testing. Allele origin: germline.

Labcorp Genetics (formerly Invitae), Labcorp
Classification: Uncertain significance for Dilated cardiomyopathy 1G; Autosomal recessive limb-girdle muscular dystrophy type 2J. Last evaluated: 2017-12-06. Review status: criteria provided, single submitter. Criteria: Invitae Variant Classification Sherloc (09022015). Collection method: clinical testing. Allele origin: germline.

Laboratory for Molecular Medicine, Mass General Brigham Personalized Medicine
Classification: Uncertain significance. Last evaluated: 2015-04-18. Review status: criteria provided, single submitter. Criteria: LMM Criteria. Collection method: clinical testing. Allele origin: germline. Observed: 2 variant alleles.